The following is an entry in ClinVar:

NM_024741.3(ZNF408):c.1723G>A (p.Gly575Arg)

Gene: ZNF408 (zinc finger protein 408; plus strand). Cytogenetic location: 11p11.2.
Variant type: single nucleotide variant.
Coding change: c.1723G>A on transcript NM_024741.3 (MANE Select); coding-DNA position 1723, G replaced by A.
Protein change: p.Gly575Arg; replaces glycine 575 with arginine.
Molecular consequence: missense variant.
Genome position (GRCh38, 1-based): chr11:46,705,423, G>A. VCF-style: chr11-46705423-G-A. GRCh37 (hg19) VCF-style: chr11-46726973-G-A.
Other names: c.1699G>A, p.Gly567Arg (NM_001184751.2); short protein forms G567R, G575R.
Identifiers: ClinVar variation 960476 (VCV000960476.12), dbSNP rs576989115, ClinGen allele CA5966632.

ClinVar aggregate classification (germline): Uncertain significance. Review status: criteria provided, multiple submitters, no conflicts (2 of 4 stars). 3 submissions from 3 submitters: Uncertain significance (3). Last evaluated 2025-10-09.

Conditions:
Inborn genetic diseases. Identifiers: MedGen C0950123, MeSH D030342.

Allele frequency attached by ClinVar (database versions not stated): ExAC 0.00002; gnomAD 0.00003; gnomAD exomes 0.00003 and 0.00007; TOPMed 0.00005; 1000 Genomes Project 30x 0.00016; 1000 Genomes Project 0.00020.
gnomAD v4.1: 49 of 1,607,882 alleles (0.003%); highest among the groups gnomAD compares: Admixed American, 0.022%; no homozygotes.

Submissions (3):

Labcorp Genetics (formerly Invitae), Labcorp
Classification: Uncertain significance. Last evaluated: 2025-10-09. Review status: criteria provided, single submitter. Criteria: Invitae Variant Classification Sherloc (09022015). Collection method: clinical testing. Allele origin: germline.
Comment: This sequence change replaces glycine, which is neutral and non-polar, with arginine, which is basic and polar, at codon 575 of the ZNF408 protein (p.Gly575Arg). This variant is present in population databases (rs576989115, gnomAD 0.03%). This variant has not been reported in the literature in individuals affected with ZNF408-related conditions. ClinVar contains an entry for this variant (Variation ID: 960476). An algorithm developed to predict the effect of missense changes on protein structure and function (PolyPhen-2) suggests that this variant is likely to be disruptive. In summary, the available evidence is currently insufficient to determine the role of this variant in disease. Therefore, it has been classified as a Variant of Uncertain Significance.

Ambry Genetics
Classification: Uncertain significance for Inborn genetic diseases. Last evaluated: 2024-03-11. Review status: criteria provided, single submitter. Criteria: Ambry Variant Classification Scheme 2023. Collection method: clinical testing. Allele origin: germline.

Blueprint Genetics
Classification: Uncertain significance. Last evaluated: 2023-09-11. Review status: criteria provided, single submitter. Criteria: ACMG Guidelines, 2015. Collection method: clinical testing. Allele origin: germline.